The following is an entry in ClinVar:

ClinVar aggregate classification (germline): Pathogenic (1 of 4 stars; one submission).

Submission:

ISCA Site 6
Classification: Pathogenic. Last evaluated: 2011-08-12. Review status: criteria provided, single submitter. Criteria: Kaminsky et al. (Genet Med. 2011). Collection method: clinical testing. Allele origin: unknown. Affected: yes. Observed: 1 variant allele.
Comment: Copy number variation identified through the course of routine clinical cytogenomic testing in postnatal populations. Clinical assertions have been curated as described in Kaminsky et al. 2011.

GRCh38/hg38 1q21.1-21.2(chr1:145215697-149076087)x3

Genes: RNVU1-21 (RNA, variant U1 small nuclear 21; minus strand), RNVU1-22 (RNA, variant U1 small nuclear 22; plus strand), RNVU1-27 (RNA, variant U1 small nuclear 27; plus strand), RNVU1-3 (RNA, variant U1 small nuclear 3; plus strand), RNVU1-31 (RNA, variant U1 small nuclear 31; minus strand) and 144 more. Cytogenetic location: 1q21.1-21.2.
Variant type: copy number gain.
Change: copy number 3 (three copies instead of two) of chr1:145,215,697-149,076,087 (3.86 Mb, GRCh38 coordinates, 1-based), cytogenetic band 1q21.1-21.2.
Identifiers: ClinVar variation 59354 (VCV000059354.2).